The following is an entry in ClinVar:

ClinVar aggregate classification (germline): Uncertain significance (1 of 4 stars; one submission).

Submission:

GeneDx
Classification: Uncertain significance. Last evaluated: 2025-07-03. Review status: criteria provided, single submitter. Criteria: GeneDx Variant Classification Process June 2021. Collection method: clinical testing. Allele origin: germline. Affected: yes.
Comment: Not observed at significant frequency in large population cohorts (gnomAD); In silico analysis supports that this missense variant has a deleterious effect on protein structure/function; Has not been previously published as pathogenic or benign to our knowledge

NM_000282.4(PCCA):c.676G>A (p.Gly226Arg)

Gene: PCCA (propionyl-CoA carboxylase subunit alpha; plus strand). Cytogenetic location: 13q32.3.
Variant type: single nucleotide variant.
Coding change: c.676G>A on transcript NM_000282.4 (MANE Select); coding-DNA position 676, G replaced by A.
Protein change: p.Gly226Arg; replaces glycine 226 with arginine.
Molecular consequence: missense variant. On other transcripts: non-coding transcript variant (5), intron variant (3).
Genome position (GRCh38, 1-based): chr13:100,257,633, G>A. VCF-style: chr13-100257633-G-A. GRCh37 (hg19) VCF-style: chr13-100909887-G-A.
Other names: c.598G>A, p.Gly200Arg (NM_001127692.3, NM_001352607.2, NM_001352608.2); c.676G>A, p.Gly226Arg (NM_001178004.2, NM_001352605.2, NM_001352606.2 and 1 more transcripts); c.-229-5096G>A (NM_001352610.2, NM_001352611.2, NM_001352612.2); short protein forms G200R, G226R.
Identifiers: ClinVar variation 4685140 (VCV004685140.1).